The following is an entry in ClinVar:

NM_182914.3(SYNE2):c.14198C>G (p.Pro4733Arg)

Gene: SYNE2 (spectrin repeat containing nuclear envelope protein 2; plus strand). Cytogenetic location: 14q23.2.
Variant type: single nucleotide variant.
Coding change: c.14198C>G on transcript NM_182914.3 (MANE Select); coding-DNA position 14198, C replaced by G.
Protein change: p.Pro4733Arg; replaces proline 4733 with arginine.
Molecular consequence: missense variant.
Genome position (GRCh38, 1-based): chr14:64,130,106, C>G. VCF-style: chr14-64130106-C-G. GRCh37 (hg19) VCF-style: chr14-64596824-C-G.
Other names: c.14198C>G, p.Pro4733Arg (NM_015180.6); short protein forms P4733R.
Identifiers: ClinVar variation 2192368 (VCV002192368.4), dbSNP rs2549226105, ClinGen allele CA389979461.

ClinVar aggregate classification (germline): Uncertain significance (1 of 4 stars; one submission).

Conditions:
Emery-Dreifuss muscular dystrophy 5, autosomal dominant (EDMD5). Also called: EMERY-DREIFUSS MUSCULAR DYSTROPHY 5. Identifiers: Orphanet 261, MedGen C2751805, MONDO:0013072, OMIM 612999.

Submission:

Labcorp Genetics (formerly Invitae), Labcorp
Classification: Uncertain significance for Emery-Dreifuss muscular dystrophy 5, autosomal dominant. Last evaluated: 2022-06-27. Review status: criteria provided, single submitter. Criteria: Invitae Variant Classification Sherloc (09022015). Collection method: clinical testing. Allele origin: germline.
Comment: In summary, the available evidence is currently insufficient to determine the role of this variant in disease. Therefore, it has been classified as a Variant of Uncertain Significance. Algorithms developed to predict the effect of missense changes on protein structure and function are either unavailable or do not agree on the potential impact of this missense change (SIFT: "Deleterious"; PolyPhen-2: "Probably Damaging"; Align-GVGD: "Class C0"). This variant has not been reported in the literature in individuals affected with SYNE2-related conditions. This variant is not present in population databases (gnomAD no frequency). This sequence change replaces proline, which is neutral and non-polar, with arginine, which is basic and polar, at codon 4733 of the SYNE2 protein (p.Pro4733Arg).